The following is an entry in ClinVar:

NM_000135.4(FANCA):c.2012A>T (p.Asp671Val)

Gene: FANCA (FA complementation group A; minus strand). Cytogenetic location: 16q24.3.
Variant type: single nucleotide variant.
Coding change: c.2012A>T on transcript NM_000135.4 (MANE Select); coding-DNA position 2012, A replaced by T.
Protein change: p.Asp671Val; replaces aspartic acid 671 with valine.
Molecular consequence: missense variant.
Genome position (GRCh38, 1-based): chr16:89,773,273, T>A on the plus strand (A>T on the coding strand, the complement: FANCA is on the minus strand). VCF-style: chr16-89773273-T-A. GRCh37 (hg19) VCF-style: chr16-89839681-T-A.
Other names: c.2012A>T, p.Asp671Val (NM_001286167.3); short protein forms D671V.
Identifiers: ClinVar variation 1974495 (VCV001974495.6), dbSNP rs2039386404, ClinGen allele CA397449473.

ClinVar aggregate classification (germline): Uncertain significance. Review status: criteria provided, multiple submitters, no conflicts (2 of 4 stars). 2 submissions from 2 submitters: Uncertain significance (2). Last evaluated 2025-07-16.

Conditions:
Inborn genetic diseases. Identifiers: MedGen C0950123, MeSH D030342.
Fanconi anemia (FA). Also called: Fanconi's anemia. Identifiers: Orphanet 84, MedGen C0015625, MeSH D005199, MONDO:0019391.

Allele frequency attached by ClinVar (database versions not stated): gnomAD exomes below 0.00001; TOPMed below 0.00001.
gnomAD v4.1: 2 of 1,550,008 alleles (0.00013%); highest among the groups gnomAD compares: Middle Eastern, 0.017%; no homozygotes.

Submissions (2):

Ambry Genetics
Classification: Uncertain significance for Inborn genetic diseases. Last evaluated: 2025-07-16. Review status: criteria provided, single submitter. Criteria: Ambry Variant Classification Scheme 2023. Collection method: clinical testing. Allele origin: germline.
Comment: The p.D671V variant (also known as c.2012A>T), located in coding exon 22 of the FANCA gene, results from an A to T substitution at nucleotide position 2012. The aspartic acid at codon 671 is replaced by valine, an amino acid with highly dissimilar properties. This amino acid position is conserved. In addition, the in silico prediction for this alteration is inconclusive. Based on the available evidence, the clinical significance of this variant remains unclear.

Labcorp Genetics (formerly Invitae), Labcorp
Classification: Uncertain significance for Fanconi anemia. Last evaluated: 2022-06-08. Review status: criteria provided, single submitter. Criteria: Invitae Variant Classification Sherloc (09022015). Collection method: clinical testing. Allele origin: germline.
Comment: Algorithms developed to predict the effect of missense changes on protein structure and function are either unavailable or do not agree on the potential impact of this missense change (SIFT: "Tolerated"; PolyPhen-2: "Possibly Damaging"; Align-GVGD: "Class C0"). In summary, the available evidence is currently insufficient to determine the role of this variant in disease. Therefore, it has been classified as a Variant of Uncertain Significance. This variant has not been reported in the literature in individuals affected with FANCA-related conditions. This variant is not present in population databases (gnomAD no frequency). This sequence change replaces aspartic acid, which is acidic and polar, with valine, which is neutral and non-polar, at codon 671 of the FANCA protein (p.Asp671Val).